The following is an entry in ClinVar:

NM_001267550.2(TTN):c.76721dup (p.Tyr25574Ter)

Genes: TTN (titin; minus strand), TTN-AS1 (TTN antisense RNA 1; plus strand). Cytogenetic location: 2q31.2.
Variant type: Duplication.
Coding change: c.76721dup on transcript NM_001267550.2 (MANE Select); coding-DNA position 76721, one base duplicated (A; older notation c.76721dupA).
Protein change: p.Tyr25574Ter; replaces tyrosine 25574 with a stop codon.
Molecular consequence: nonsense.
Genome position (GRCh38, 1-based): chr2:178,569,411, T duplicated on the plus strand (A on the coding strand, the reverse complement: TTN is on the minus strand). VCF-style (leftmost placement, unchanged base first): chr2-178569410-A-AT. GRCh37 (hg19) VCF-style: chr2-179434137-A-AT.
Other names: c.71798dup, p.Tyr23933Ter (NM_001256850.1); c.49526dup, p.Tyr16509Ter (NM_003319.4); c.69017dup, p.Tyr23006Ter (NM_133378.4); c.49901dup, p.Tyr16634Ter (NM_133432.3); c.50102dup, p.Tyr16701Ter (NM_133437.4); short protein forms Y16509*, Y23006*, Y25574*, Y16701*, Y23933*, Y16634*.
Identifiers: ClinVar variation 2069156 (VCV002069156.4), dbSNP rs2468405108, ClinGen allele CA2580064832.

ClinVar aggregate classification (germline): Likely pathogenic (1 of 4 stars; one submission).

Conditions:
Dilated cardiomyopathy 1G (CMD1G). Identifiers: Orphanet 154, MedGen C1858763, MONDO:0011400, OMIM 604145.
Autosomal recessive limb-girdle muscular dystrophy type 2J (LGMDR10). Also called: Limb-girdle muscular dystrophy, type 2J; MUSCULAR DYSTROPHY, LIMB-GIRDLE, AUTOSOMAL RECESSIVE 10. Identifiers: Orphanet 140922, MedGen C1837342, MONDO:0012127, OMIM 608807.

Submission:

Labcorp Genetics (formerly Invitae), Labcorp
Classification: Likely pathogenic for Dilated cardiomyopathy 1G; Autosomal recessive limb-girdle muscular dystrophy type 2J. Last evaluated: 2022-01-01. Review status: criteria provided, single submitter. Criteria: Invitae Variant Classification Sherloc (09022015). Collection method: clinical testing. Allele origin: germline.
Comment: In summary, the currently available evidence indicates that the variant is pathogenic, but additional data are needed to prove that conclusively. Therefore, this variant has been classified as Likely Pathogenic. This variant is located in the A band of TTN (PMID: 25589632). Truncating variants in this region are significantly overrepresented in patients affected with dilated cardiomyopathy (PMID: 25589632). Truncating variants in this region have also been reported in individuals affected with autosomal recessive centronuclear myopathy (PMID: 23975875). This variant has not been reported in the literature in individuals affected with TTN-related conditions. This variant is not present in population databases (gnomAD no frequency). This sequence change creates a premature translational stop signal (p.Tyr25574*) in the TTN gene. While this is not anticipated to result in nonsense mediated decay, it is expected to create a truncated TTN protein.

Literature cited by the submitters: PubMed 25589632; PubMed 23975875.